The following is an entry in ClinVar:

ClinVar aggregate classification (germline): not provided (0 of 4 stars; one submission).

Conditions:
Familial long QT syndrome (RWS). Also called: Congenital long QT syndrome; Romano-Ward syndrome; VENTRICULAR FIBRILLATION WITH PROLONGED QT INTERVAL. Identifiers: Orphanet 768, MedGen C1141890, MONDO:0019171.

Submission:

Cardiovascular Biomedical Research Unit, Royal Brompton & Harefield NHS Foundation Trust
No classification provided. Condition: Familial long QT syndrome. Review status: no classification provided. Collection method: literature only. Allele origin: germline.
Comment: This variant has been reported in the following publications (PMID:15831539).

Literature cited by the submitters: PubMed 15831539; PubMed 22581653.

NM_000891.3(KCNJ2):c.461G>T (p.Cys154Phe)

Gene: KCNJ2 (potassium inwardly rectifying channel subfamily J member 2; plus strand). Cytogenetic location: 17q24.3.
Variant type: single nucleotide variant.
Coding change: c.461G>T on transcript NM_000891.3 (MANE Select); coding-DNA position 461, G replaced by T.
Protein change: p.Cys154Phe; replaces cysteine 154 with phenylalanine.
Molecular consequence: missense variant.
Genome position (GRCh38, 1-based): chr17:70,175,500, G>T. VCF-style: chr17-70175500-G-T. GRCh37 (hg19) VCF-style: chr17-68171641-G-T.
Other names: c.461G>T (LRG_328t1); short protein forms C154F.
Identifiers: ClinVar variation 67579 (VCV000067579.1), dbSNP rs199473380, ClinGen allele CA329684.
Genomic context (GRCh38, chr17:70,175,500, plus strand): 5'-TCTTCTCCATTGAGACCCAGACAACCATAGGCTATGGTTTCAGATGTGTCACGGATGAAT[G>T]CCCAATTGCTGTTTTCATGGTGGTGTTCCAGTCAATCGTGGGCTGCATCATCGATGCTTT-3'
Protein context (NP_000882.1, residues 144-164): GYGFRCVTDE[Cys154Phe]PIAVFMVVFQ